The following is an entry in ClinVar:

NM_018192.4(P3H2):c.1987T>G (p.Cys663Gly)

Gene: P3H2 (prolyl 3-hydroxylase 2; minus strand). Cytogenetic location: 3q28.
Variant type: single nucleotide variant.
Coding change: c.1987T>G on transcript NM_018192.4 (MANE Select); coding-DNA position 1987, T replaced by G.
Protein change: p.Cys663Gly; replaces cysteine 663 with glycine.
Molecular consequence: missense variant.
Genome position (GRCh38, 1-based): chr3:189,964,005, A>C on the plus strand (T>G on the coding strand, the complement: P3H2 is on the minus strand). VCF-style: chr3-189964005-A-C. GRCh37 (hg19) VCF-style: chr3-189681794-A-C.
Other names: c.1987T>G (NM_018192.3); c.1444T>G, p.Cys482Gly (NM_001134418.2); short protein forms C482G, C663G.
Identifiers: ClinVar variation 1934788 (VCV001934788.6), dbSNP rs750077156, ClinGen allele CA2752704.

ClinVar aggregate classification (germline): Uncertain significance. Review status: criteria provided, multiple submitters, no conflicts (2 of 4 stars). 2 submissions from 2 submitters: Uncertain significance (2). Last evaluated 2025-03-10.

Conditions:
P3H2-related disorder. Also called: P3H2-related condition.

Allele frequency attached by ClinVar (database versions not stated): ExAC 0.00001; gnomAD exomes 0.00003.
gnomAD v4.1: 40 of 1,613,972 alleles (0.0025%); highest among the groups gnomAD compares: Non-Finnish European, 0.0033%; no homozygotes.

Submissions (2):

PreventionGenetics, part of Exact Sciences
Classification: Uncertain significance for P3H2-related condition. Last evaluated: 2025-03-10. Review status: criteria provided, single submitter. Criteria: ACMG Guidelines, 2015. Collection method: clinical testing. Allele origin: germline.
Comment: The P3H2 c.1987T>G variant is predicted to result in the amino acid substitution p.Cys663Gly. To our knowledge, this variant has not been reported in the literature. This variant is reported in 0.00088% of alleles in individuals of European (Non-Finnish) descent in gnomAD. At this time, the clinical significance of this variant is uncertain due to the absence of conclusive functional and genetic evidence.

Labcorp Genetics (formerly Invitae), Labcorp
Classification: Uncertain significance. Last evaluated: 2022-05-31. Review status: criteria provided, single submitter. Criteria: Invitae Variant Classification Sherloc (09022015). Collection method: clinical testing. Allele origin: germline.
Comment: In summary, the available evidence is currently insufficient to determine the role of this variant in disease. Therefore, it has been classified as a Variant of Uncertain Significance. Algorithms developed to predict the effect of missense changes on protein structure and function are either unavailable or do not agree on the potential impact of this missense change (SIFT: "Deleterious"; PolyPhen-2: "Probably Damaging"; Align-GVGD: "Class C0"). This variant has not been reported in the literature in individuals affected with P3H2-related conditions. This variant is present in population databases (rs750077156, gnomAD 0.0009%). This sequence change replaces cysteine, which is neutral and slightly polar, with glycine, which is neutral and non-polar, at codon 663 of the P3H2 protein (p.Cys663Gly).